The following is an entry in ClinVar:

ClinVar aggregate classification (germline): Conflicting classifications of pathogenicity. Review status: criteria provided, conflicting classifications (1 of 4 stars). 4 submissions from 4 submitters: Uncertain significance (3); Likely benign (1). Last evaluated 2024-10-02.

Conditions:
Deafness, congenital heart defects, and posterior embryotoxon (DCHE). Identifiers: MedGen C1866053, MONDO:0060713, OMIM 617992.
Tetralogy of Fallot (TOF). Identifiers: Orphanet 3303, MedGen C0039685, MONDO:0008542, OMIM 187500, HP:0001636.
Alagille syndrome due to a JAG1 point mutation. Also called: JAG1-Related Alagille Syndrome; HEPATIC DUCTULAR HYPOPLASIA, SYNDROMATIC; Alagille Syndrome 1. Identifiers: Orphanet 261619, Orphanet 52, MedGen C1956125, MONDO:0016862, OMIM 118450.
Charcot-Marie-Tooth disease, axonal, Type 2HH. Also called: CHARCOT-MARIE-TOOTH NEUROPATHY, TYPE 2HH. Identifiers: MedGen C5562003, MONDO:0030458, OMIM 619574.
Cardiovascular phenotype. Identifiers: MedGen CN230736.

Allele frequency attached by ClinVar (database versions not stated): gnomAD exomes below 0.00001; ExAC 0.00001; gnomAD 0.00001.

Submissions (4):

Labcorp Genetics (formerly Invitae), Labcorp
Classification: Likely benign for Alagille syndrome due to a JAG1 point mutation. Last evaluated: 2024-10-02. Review status: criteria provided, single submitter. Criteria: Invitae Variant Classification Sherloc (09022015). Collection method: clinical testing. Allele origin: germline.

Fulgent Genetics
Classification: Uncertain significance for Alagille syndrome due to a JAG1 point mutation; Tetralogy of Fallot; Deafness, congenital heart defects, and posterior embryotoxon; Charcot-Marie-Tooth disease, axonal, Type 2HH. Last evaluated: 2024-04-16. Review status: criteria provided, single submitter. Criteria: ACMG Guidelines, 2015. Collection method: clinical testing. Allele origin: germline.

Ambry Genetics
Classification: Uncertain significance for Cardiovascular phenotype. Last evaluated: 2023-03-24. Review status: criteria provided, single submitter. Criteria: Ambry Variant Classification Scheme 2023. Collection method: clinical testing. Allele origin: germline.
Comment: The p.D482N variant (also known as c.1444G>A), located in coding exon 12 of the JAG1 gene, results from a G to A substitution at nucleotide position 1444. The aspartic acid at codon 482 is replaced by asparagine, an amino acid with highly similar properties. This amino acid position is conserved. In addition, this alteration is predicted to be tolerated by in silico analysis. Since supporting evidence is limited at this time, the clinical significance of this alteration remains unclear.

GeneDx
Classification: Uncertain significance. Last evaluated: 2022-06-14. Review status: criteria provided, single submitter. Criteria: GeneDx Variant Classification Process June 2021. Collection method: clinical testing. Allele origin: germline. Affected: yes.
Comment: Not observed at significant frequency in large population cohorts (gnomAD); In silico analysis supports that this missense variant does not alter protein structure/function; Has not been previously published as pathogenic or benign to our knowledge

NM_000214.3(JAG1):c.1444G>A (p.Asp482Asn)

Gene: JAG1 (jagged canonical Notch ligand 1; minus strand). Cytogenetic location: 20p12.2.
Variant type: single nucleotide variant.
Coding change: c.1444G>A on transcript NM_000214.3 (MANE Select); coding-DNA position 1444, G replaced by A.
Protein change: p.Asp482Asn; replaces aspartic acid 482 with asparagine.
Molecular consequence: missense variant.
Genome position (GRCh38, 1-based): chr20:10,648,674, C>T on the plus strand (G>A on the coding strand, the complement: JAG1 is on the minus strand). VCF-style: chr20-10648674-C-T. GRCh37 (hg19) VCF-style: chr20-10629322-C-T.
Other names: short protein forms D482N.
Identifiers: ClinVar variation 1043665 (VCV001043665.12), dbSNP rs766370717, ClinGen allele CA9764841.